The following is an entry in ClinVar:

ClinVar aggregate classification (germline): Uncertain significance (1 of 4 stars; one submission).

Allele frequency attached by ClinVar (database versions not stated): gnomAD 0.00001; ExAC 0.00002; TOPMed 0.00002.

Submission:

Labcorp Genetics (formerly Invitae), Labcorp
Classification: Uncertain significance. Last evaluated: 2024-01-15. Review status: criteria provided, single submitter. Criteria: Invitae Variant Classification Sherloc (09022015). Collection method: clinical testing. Allele origin: germline.
Comment: This sequence change replaces valine, which is neutral and non-polar, with methionine, which is neutral and non-polar, at codon 191 of the PIBF1 protein (p.Val191Met). This variant is present in population databases (rs756966001, gnomAD 0.01%). This variant has not been reported in the literature in individuals affected with PIBF1-related conditions. ClinVar contains an entry for this variant (Variation ID: 1951197). Advanced modeling of protein sequence and biophysical properties (such as structural, functional, and spatial information, amino acid conservation, physicochemical variation, residue mobility, and thermodynamic stability) performed at Invitae indicates that this missense variant is not expected to disrupt PIBF1 protein function with a negative predictive value of 80%. In summary, the available evidence is currently insufficient to determine the role of this variant in disease. Therefore, it has been classified as a Variant of Uncertain Significance.

NM_006346.4(PIBF1):c.571G>A (p.Val191Met)

Gene: PIBF1 (progesterone immunomodulatory binding factor 1; plus strand). Cytogenetic location: 13q21.33.
Variant type: single nucleotide variant.
Coding change: c.571G>A on transcript NM_006346.4 (MANE Select); coding-DNA position 571, G replaced by A.
Protein change: p.Val191Met; replaces valine 191 with methionine.
Molecular consequence: missense variant. On other transcripts: non-coding transcript variant (2).
Genome position (GRCh38, 1-based): chr13:72,797,925, G>A. VCF-style: chr13-72797925-G-A. GRCh37 (hg19) VCF-style: chr13-73372063-G-A.
Other names: c.571G>A, p.Val191Met (NM_001349655.2); short protein forms V191M.
Identifiers: ClinVar variation 1951197 (VCV001951197.5), dbSNP rs756966001, ClinGen allele CA7001990.
Genomic context (GRCh38, chr13:72,797,925, plus strand): 5'-AATTTGGATTTAAGACTGCTTATTAATTTAATTTTTTTCAAGGTTCGCTTCTATGAGCTA[G>A]TGAATCCATTAAGAAAGGAAATCTGTGAACTACAAGTGAAAAAGAATATCCTAGCAGAAG-3'
Protein context (NP_006337.2, residues 181-201): EYVSVRFYEL[Val191Met]NPLRKEICEL